The following is an entry in ClinVar:

NM_007078.3(LDB3):c.686G>A (p.Gly229Glu)

Gene: LDB3 (LIM domain binding 3; plus strand). Cytogenetic location: 10q23.2.
Variant type: single nucleotide variant.
Coding change: c.686G>A on transcript NM_007078.3 (MANE Select); coding-DNA position 686, G replaced by A.
Protein change: p.Gly229Glu; replaces glycine 229 with glutamic acid.
Molecular consequence: missense variant. On other transcripts: intron variant (5).
Genome position (GRCh38, 1-based): chr10:86,681,800, G>A. VCF-style: chr10-86681800-G-A. GRCh37 (hg19) VCF-style: chr10-88441557-G-A.
Other names: c.686G>A, p.Gly229Glu (NM_001080115.2, NM_001171610.2, NM_001171611.2 and 3 more transcripts); c.321+1643G>A (NM_001368068.1, NM_001368066.1, NM_001080114.2 and 2 more transcripts); short protein forms G229E.
Identifiers: ClinVar variation 3225988 (VCV003225988.1), dbSNP rs1131691665, ClinGen allele CA377455770.

ClinVar aggregate classification (germline): Uncertain significance (1 of 4 stars; one submission).

Conditions:
Cardiovascular phenotype. Identifiers: MedGen CN230736.

Submission:

Ambry Genetics
Classification: Uncertain significance for Cardiovascular phenotype. Last evaluated: 2023-11-02. Review status: criteria provided, single submitter. Criteria: Ambry Variant Classification Scheme 2023. Collection method: clinical testing. Allele origin: germline.
Comment: The p.G229E variant (also known as c.686G>A), located in coding exon 4 of the LDB3 gene, results from a G to A substitution at nucleotide position 686. The glycine at codon 229 is replaced by glutamic acid, an amino acid with similar properties. This amino acid position is not well conserved in available vertebrate species. In addition, this alteration is predicted to be tolerated by in silico analysis. Since supporting evidence is limited at this time, the clinical significance of this alteration remains unclear.